The following is an entry in ClinVar:

ClinVar aggregate classification (germline): Conflicting classifications of pathogenicity. Review status: criteria provided, conflicting classifications (1 of 4 stars). 4 submissions from 4 submitters: Uncertain significance (1); Likely benign (1). 2 of the submissions do not count toward it. Last evaluated 2025-04-23.

Conditions:
Schöpf-Schulz-Passarge syndrome. Also called: SchC6pf-Schulz-Passarge syndrome; KERATOSIS PALMOPLANTARIS WITH CYSTIC EYELIDS, HYPODONTIA, AND HYPOTRICHOSIS; ECCRINE TUMORS WITH ECTODERMAL DYSPLASIA. Identifiers: Orphanet 50944, MedGen C1857069, MONDO:0009145, OMIM 224750.
Odonto-onycho-dermal dysplasia. Identifiers: Orphanet 2721, MedGen C0796093, MONDO:0009773, OMIM 257980.
Tooth agenesis, selective, 4 (STHAG4). Also called: SUCCEDANEOUS TEETH, AGENESIS OF; TOOTH AGENESIS, SELECTIVE, 4, WITH OR WITHOUT ECTODERMAL DYSPLASIA; LATERAL INCISORS, ABSENCE OF; LATERAL INCISORS, PEGGED OR MISSING. Identifiers: Orphanet 99798, MedGen C1835492, MONDO:0007881, OMIM 150400. Disease mechanism: loss of function.
WNT10A-related disorder. Also called: WNT10A-related condition; WNT10A-related disorders.

Allele frequency attached by ClinVar (database versions not stated): gnomAD 0.00006; TOPMed 0.00028; ExAC 0.00029; gnomAD exomes 0.00044.
gnomAD v4.1: 142 of 1,614,054 alleles (0.0088%); highest among the groups gnomAD compares: Admixed American, 0.21%; no homozygotes.

Submissions (4):

GeneDx
Classification: Uncertain significance. Last evaluated: 2025-04-23. Review status: criteria provided, single submitter. Criteria: GeneDx Variant Classification Process June 2021. Collection method: clinical testing. Allele origin: germline. Affected: yes.
Comment: In silico analysis indicates that this missense variant does not alter protein structure/function; Has not been previously published as pathogenic or benign to our knowledge; This variant is associated with the following publications: (PMID: 24311251, 33329022, 36071541, 37422997)

Labcorp Genetics (formerly Invitae), Labcorp
Classification: Likely benign for Tooth agenesis, selective, 4; Odonto-onycho-dermal dysplasia. Last evaluated: 2024-12-09. Review status: criteria provided, single submitter. Criteria: Invitae Variant Classification Sherloc (09022015). Collection method: clinical testing. Allele origin: germline.

PreventionGenetics, part of Exact Sciences
Classification: Likely benign for WNT10A-related condition. Last evaluated: 2022-05-09. Review status: no assertion criteria provided. Collection method: clinical testing. Allele origin: germline. Not counted in ClinVar's aggregate classification.
Comment: This variant is classified as likely benign based on ACMG/AMP sequence variant interpretation guidelines (Richards et al. 2015 PMID: 25741868, with internal and published modifications).

Natera, Inc.
Classification: Likely benign for Schopf-Schulz-Passarge syndrome. Last evaluated: 2020-01-27. Review status: no assertion criteria provided. Collection method: clinical testing. Allele origin: germline. Not counted in ClinVar's aggregate classification.

NM_025216.3(WNT10A):c.512G>A (p.Arg171His)

Gene: WNT10A (Wnt family member 10A; plus strand). Cytogenetic location: 2q35.
Variant type: single nucleotide variant.
Coding change: c.512G>A on transcript NM_025216.3 (MANE Select); coding-DNA position 512, G replaced by A.
Protein change: p.Arg171His; replaces arginine 171 with histidine.
Molecular consequence: missense variant.
Genome position (GRCh38, 1-based): chr2:218,890,119, G>A. VCF-style: chr2-218890119-G-A. GRCh37 (hg19) VCF-style: chr2-219754841-G-A.
Other names: short protein forms R171H.
Identifiers: ClinVar variation 707156 (VCV000707156.15), dbSNP rs199737793, ClinGen allele CA2113957.